The following is an entry in ClinVar:

ClinVar aggregate classification (germline): Likely pathogenic. Review status: criteria provided, single submitter (1 of 4 stars). 2 submissions from 2 submitters: Likely pathogenic (1). 1 of the submissions does not count toward it. Last evaluated 2024-04-04.

Conditions:
Thyroid hormone resistance, generalized, autosomal dominant (GRTHD). Also called: HYPERTHYROXINEMIA, FAMILIAL EUTHYROID, SECONDARY TO PITUITARY AND PERIPHERAL RESISTANCE TO THYROID HORMONES. Identifiers: MedGen C2937288, MONDO:0008569, OMIM 188570.

Submissions (2):

Quest Diagnostics Nichols Institute San Juan Capistrano
Classification: Likely pathogenic. Last evaluated: 2024-04-04. Review status: criteria provided, single submitter. Criteria: Quest Diagnostics criteria. Collection method: clinical testing. Allele origin: unknown.
Comment: The THRB c.1021C>G (p.Leu341Val) variant has been reported in the published literature in families affected with resistance to thyroid hormone (RTH), however, some carriers of the variant were asymptomatic and did not require treatment (PMIDs: 30362879 (2018), 38291763 (2024)). Functional studies of this variant have indicated decreased T3 binding (PMID: 30362879 (2018)). This variant has not been reported in large, multi-ethnic general populations (Genome Aggregation Database). Analysis using software algorithms for the prediction of the effect of nucleotide changes on THRB mRNA splicing yielded predictions that this variant may result in the gain of a cryptic splice site without affecting the natural splice sites. Based on the available information, this variant is classified as likely pathogenic.

Laboratório Bases Genéticas das Doenças Endocrinológicas, Faculdade de Medicina de Botucatu, Universidade Estadual Paulista
Classification: Likely pathogenic for Thyroid hormone resistance, generalized, autosomal dominant. Last evaluated: 2017-04-05. Review status: no assertion criteria provided. Collection method: clinical testing. Allele origin: not applicable, unknown, maternal. Inheritance: Autosomal dominant inheritance. Affected: yes. Observed: 6 variant alleles, 6 heterozygotes. Clinical features observed: Generalized resistance to thyroid hormone. Not counted in ClinVar's aggregate classification.
Comment: 1. Mother and two children present the mutation coinciding with clinical manifestation; 2. The amino acid change is predicted to be deleterious by independent in silico algorithms; 3. The residue is annotated as part of the hormone binding site; 4. This is not a known polymorfism (absent in dbSNP).

Literature cited by the submitters: PubMed 30362879 (cited by Quest Diagnostics Nichols Institute San Juan Capistrano); PubMed 30976996 (cited by Quest Diagnostics Nichols Institute San Juan Capistrano); PubMed 38291763 (cited by Quest Diagnostics Nichols Institute San Juan Capistrano).

NM_001354712.2(THRB):c.1021C>G (p.Leu341Val)

Gene: THRB (thyroid hormone receptor beta; minus strand). Cytogenetic location: 3p24.2.
Variant type: single nucleotide variant.
Coding change: c.1021C>G on transcript NM_001354712.2 (MANE Select); coding-DNA position 1021, C replaced by G.
Protein change: p.Leu341Val; replaces leucine 341 with valine.
Molecular consequence: missense variant.
Genome position (GRCh38, 1-based): chr3:24,127,622, G>C on the plus strand (C>G on the coding strand, the complement: THRB is on the minus strand). VCF-style: chr3-24127622-G-C. GRCh37 (hg19) VCF-style: chr3-24169113-G-C.
Other names: c.1021C>G, p.Leu341Val (NM_000461.5, NM_001128176.3, NM_001128177.2 and 6 more transcripts); c.928C>G, p.Leu310Val (NM_001354714.2, NM_001354715.2); c.1021C>G (NM_000461.4); short protein forms L341V, L310V.
Identifiers: ClinVar variation 429021 (VCV000429021.4), dbSNP rs1553610984, ClinGen allele CA351888740.